The following is an entry in ClinVar:

NM_018082.6(POLR3B):c.1370C>A (p.Ser457Tyr)

Gene: POLR3B (RNA polymerase III subunit B; plus strand). Cytogenetic location: 12q23.3.
Variant type: single nucleotide variant.
Coding change: c.1370C>A on transcript NM_018082.6 (MANE Select); coding-DNA position 1370, C replaced by A.
Protein change: p.Ser457Tyr; replaces serine 457 with tyrosine.
Molecular consequence: missense variant.
Genome position (GRCh38, 1-based): chr12:106,430,379, C>A. VCF-style: chr12-106430379-C-A. GRCh37 (hg19) VCF-style: chr12-106824157-C-A.
Other names: c.1196C>A, p.Ser399Tyr (NM_001160708.2); short protein forms S399Y, S457Y.
Identifiers: ClinVar variation 2429574 (VCV002429574.2), dbSNP rs2542110399, ClinGen allele CA386389139.

ClinVar aggregate classification (germline): Uncertain significance (1 of 4 stars; one submission).

Submission:

GeneDx
Classification: Uncertain significance. Last evaluated: 2024-05-24. Review status: criteria provided, single submitter. Criteria: GeneDx Variant Classification Process June 2021. Collection method: clinical testing. Allele origin: germline. Affected: yes.
Comment: Not observed at significant frequency in large population cohorts (gnomAD); In silico analysis supports that this missense variant has a deleterious effect on protein structure/function; Has not been previously published as pathogenic or benign to our knowledge